The following is an entry in ClinVar:

ClinVar aggregate classification (germline): Benign/Likely benign. Review status: criteria provided, multiple submitters, no conflicts (2 of 4 stars). 6 submissions from 6 submitters: Benign (2); Likely benign (2). 2 of the submissions do not count toward it. Last evaluated 2026-01-27.

Conditions:
Dilated cardiomyopathy 1G (CMD1G). Identifiers: Orphanet 154, MedGen C1858763, MONDO:0011400, OMIM 604145.
Autosomal recessive limb-girdle muscular dystrophy type 2J (LGMDR10). Also called: Limb-girdle muscular dystrophy, type 2J; MUSCULAR DYSTROPHY, LIMB-GIRDLE, AUTOSOMAL RECESSIVE 10. Identifiers: Orphanet 140922, MedGen C1837342, MONDO:0012127, OMIM 608807.

Allele frequency attached by ClinVar (database versions not stated): gnomAD exomes 0.00022 and 0.00008; 1000 Genomes Project 0.00040; ExAC 0.00026; 1000 Genomes Project 30x 0.00078; ESP Exome Variant Server 0.00068; gnomAD 0.00064 and 0.00071; TOPMed 0.00087.
gnomAD v4.1: 208 of 1,567,808 alleles (0.013%); highest among the groups gnomAD compares: African/African-American, 0.25%; no homozygotes.

Submissions (6):

Labcorp Genetics (formerly Invitae), Labcorp
Classification: Benign for Dilated cardiomyopathy 1G; Autosomal recessive limb-girdle muscular dystrophy type 2J. Last evaluated: 2026-01-27. Review status: criteria provided, single submitter. Criteria: Invitae Variant Classification Sherloc (09022015). Collection method: clinical testing. Allele origin: germline.

Blueprint Genetics
Classification: Likely benign. Last evaluated: 2024-11-25. Review status: criteria provided, single submitter. Criteria: ACMG Guidelines, 2015. Collection method: clinical testing. Allele origin: germline.

Women's Health and Genetics/Laboratory Corporation of America, LabCorp
Classification: Likely benign. Last evaluated: 2023-09-25. Review status: criteria provided, single submitter. Criteria: LabCorp Variant Classification Summary - May 2015. Collection method: clinical testing. Allele origin: germline.

GeneDx
Classification: Benign. Last evaluated: 2014-05-09. Review status: criteria provided, single submitter. Criteria: GeneDx Variant Classification (06012015). Collection method: clinical testing. Allele origin: germline. Affected: yes.
Comment: This variant is considered likely benign or benign based on one or more of the following criteria: it is a conservative change, it occurs at a poorly conserved position in the protein, it is predicted to be benign by multiple in silico algorithms, and/or has population frequency not consistent with disease.

Clinical Genetics DNA and cytogenetics Diagnostics Lab, Erasmus MC, Erasmus Medical Center
Classification: Likely benign. Review status: no assertion criteria provided. Collection method: clinical testing. Allele origin: germline. Affected: yes. Study: VKGL Data-share Consensus. Not counted in ClinVar's aggregate classification.

Clinical Genetics, Academic Medical Center
Classification: Benign. Review status: no assertion criteria provided. Collection method: clinical testing. Allele origin: germline. Affected: yes. Study: VKGL Data-share Consensus. Not counted in ClinVar's aggregate classification.

NM_001267550.2(TTN):c.52406-16G>A

Genes: TTN (titin; minus strand), TTN-AS1 (TTN antisense RNA 1; plus strand). Cytogenetic location: 2q31.2.
Variant type: single nucleotide variant.
Coding change: c.52406-16G>A on transcript NM_001267550.2 (MANE Select); 16 bases into the intron before coding-DNA position 52406, G replaced by A.
Molecular consequence: intron variant.
Genome position (GRCh38, 1-based): chr2:178,608,493, C>T on the plus strand (G>A on the coding strand, the complement: TTN is on the minus strand). VCF-style: chr2-178608493-C-T. GRCh37 (hg19) VCF-style: chr2-179473220-C-T.
Other names: c.25211-16G>A (NM_003319.4); c.25787-16G>A (NM_133437.4); c.25586-16G>A (NM_133432.3); c.44702-16G>A (NM_133378.4); c.47483-16G>A (NM_001256850.1).
Identifiers: ClinVar variation 137795 (VCV000137795.14), dbSNP rs372221219, ClinGen allele CA291460.